The following is an entry in ClinVar:

ClinVar aggregate classification (germline): Uncertain significance (1 of 4 stars; one submission).

Submission:

GeneDx
Classification: Uncertain significance. Last evaluated: 2024-10-02. Review status: criteria provided, single submitter. Criteria: GeneDx Variant Classification Process June 2021. Collection method: clinical testing. Allele origin: germline. Affected: yes.
Comment: Not observed at significant frequency in large population cohorts (gnomAD); In silico analysis supports that this missense variant has a deleterious effect on protein structure/function; Has not been previously published as pathogenic or benign to our knowledge

NM_000827.4(GRIA1):c.1684C>G (p.Pro562Ala)

Gene: GRIA1 (glutamate ionotropic receptor AMPA type subunit 1; plus strand). Cytogenetic location: 5q33.2.
Variant type: single nucleotide variant.
Coding change: c.1684C>G on transcript NM_000827.4 (MANE Select); coding-DNA position 1684, C replaced by G.
Protein change: p.Pro562Ala; replaces proline 562 with alanine.
Molecular consequence: missense variant. On other transcripts: non-coding transcript variant (2).
Genome position (GRCh38, 1-based): chr5:153,705,928, C>G. VCF-style: chr5-153705928-C-G. GRCh37 (hg19) VCF-style: chr5-153085488-C-G.
Other names: c.1684C>G, p.Pro562Ala (NM_001114183.2); c.1444C>G, p.Pro482Ala (NM_001258019.2); c.1399C>G, p.Pro467Ala (NM_001258020.2); c.1714C>G, p.Pro572Ala (NM_001258021.2, NM_001258022.2); c.1477C>G, p.Pro493Ala (NM_001258023.1, NM_001364167.2); c.1516C>G, p.Pro506Ala (NM_001364165.2); c.1711C>G, p.Pro571Ala (NM_001364166.2); short protein forms P467A, P482A, P493A, P506A, P562A, P571A, P572A.
Identifiers: ClinVar variation 3776674 (VCV003776674.1).